The following is an entry in ClinVar:

NM_014049.5(ACAD9):c.728C>G (p.Thr243Arg)

Gene: ACAD9 (acyl-CoA dehydrogenase family member 9; plus strand). Cytogenetic location: 3q21.3.
Variant type: single nucleotide variant.
Coding change: c.728C>G on transcript NM_014049.5 (MANE Select); coding-DNA position 728, C replaced by G.
Protein change: p.Thr243Arg; replaces threonine 243 with arginine.
Molecular consequence: missense variant. On other transcripts: non-coding transcript variant (1).
Genome position (GRCh38, 1-based): chr3:128,899,381, C>G. VCF-style: chr3-128899381-C-G. GRCh37 (hg19) VCF-style: chr3-128618224-C-G.
Other names: short protein forms T243R.
Identifiers: ClinVar variation 987132 (VCV000987132.29), dbSNP rs368222811, ClinGen allele CA2601257.

ClinVar aggregate classification (germline): Conflicting classifications of pathogenicity. Review status: criteria provided, conflicting classifications (1 of 4 stars). 4 submissions from 4 submitters: Likely pathogenic (3); Uncertain significance (1). Last evaluated 2024-08-07.

Conditions:
ACAD9-related disorder. Also called: ACAD9-related condition.

Allele frequency attached by ClinVar (database versions not stated): gnomAD exomes below 0.00001; ExAC 0.00001; gnomAD 0.00003; TOPMed 0.00003; ESP Exome Variant Server 0.00008.
gnomAD v4.1: 12 of 1,614,160 alleles (0.00074%); highest among the groups gnomAD compares: Non-Finnish European, 0.001%; no homozygotes.

Submissions (4):

Labcorp Genetics (formerly Invitae), Labcorp
Classification: Likely pathogenic. Last evaluated: 2024-08-07. Review status: criteria provided, single submitter. Criteria: Invitae Variant Classification Sherloc (09022015). Collection method: clinical testing. Allele origin: germline.
Comment: This sequence change replaces threonine, which is neutral and polar, with arginine, which is basic and polar, at codon 243 of the ACAD9 protein (p.Thr243Arg). This variant is present in population databases (rs368222811, gnomAD 0.002%). This missense change has been observed in individual(s) with mitochondrial complex I deficiency (PMID: 27290639). In at least one individual the data is consistent with being in trans (on the opposite chromosome) from a pathogenic variant. ClinVar contains an entry for this variant (Variation ID: 987132). Advanced modeling of protein sequence and biophysical properties (such as structural, functional, and spatial information, amino acid conservation, physicochemical variation, residue mobility, and thermodynamic stability) performed at Invitae indicates that this missense variant is expected to disrupt ACAD9 protein function with a positive predictive value of 80%. In summary, the currently available evidence indicates that the variant is pathogenic, but additional data are needed to prove that conclusively. Therefore, this variant has been classified as Likely Pathogenic.

CeGaT Center for Human Genetics Tuebingen
Classification: Uncertain significance. Last evaluated: 2024-02-01. Review status: criteria provided, single submitter. Criteria: CeGaT Center For Human Genetics Tuebingen Variant Classification Criteria Version 2. Collection method: clinical testing. Allele origin: germline. Affected: yes. Observed: 1 variant allele.
Comment: ACAD9: PM2, PM3:Supporting

Blueprint Genetics
Classification: Likely pathogenic for ACAD9-related disorders. Last evaluated: 2023-09-11. Review status: criteria provided, single submitter. Criteria: ACMG Guidelines, 2015. Collection method: clinical testing. Allele origin: germline. Affected: yes. Observed: 3 variant alleles.

Institute of Medical Genetics and Applied Genomics, University Hospital Tübingen
Classification: Likely pathogenic. Last evaluated: 2020-10-23. Review status: criteria provided, single submitter. Criteria: ACMG Guidelines, 2015. Collection method: clinical testing. Allele origin: germline. Inheritance: Unknown mechanism. Affected: yes.

Literature cited by the submitters: PubMed 27290639 (cited by Labcorp Genetics (formerly Invitae), Labcorp).